The following is an entry in ClinVar:

NM_138801.3(GALM):c.147G>A (p.Gln49=)

Gene: GALM (galactose mutarotase; plus strand). Cytogenetic location: 2p22.1.
Variant type: single nucleotide variant.
Coding change: c.147G>A on transcript NM_138801.3 (MANE Select); coding-DNA position 147, G replaced by A.
Protein change: p.Gln49=; no amino-acid change (glutamine 49 retained).
Molecular consequence: synonymous variant.
Genome position (GRCh38, 1-based): chr2:38,666,308, G>A. VCF-style: chr2-38666308-G-A. GRCh37 (hg19) VCF-style: chr2-38893450-G-A.
Identifiers: ClinVar variation 1259664 (VCV001259664.14), dbSNP rs34708402, ClinGen allele CA1621402.

ClinVar aggregate classification (germline): Benign. Review status: criteria provided, multiple submitters, no conflicts (2 of 4 stars). 4 submissions from 4 submitters: Benign (3). 1 of the submissions does not count toward it. Last evaluated 2026-02-02.

Conditions:
GALM-related disorder. Also called: GALM-related condition.

Allele frequency attached by ClinVar (database versions not stated): gnomAD exomes 0.00354 and 0.00967; ExAC 0.01184; gnomAD 0.03820 and 0.04098; 1000 Genomes Project 0.04093; ESP Exome Variant Server 0.04283; TOPMed 0.04317; 1000 Genomes Project 30x 0.04544.
gnomAD v4.1: 11,166 of 1,613,702 alleles (0.69%); highest among the groups gnomAD compares: African/African-American, 13%; 655 homozygotes.

Submissions 1 to 33 of 43:

Labcorp Genetics (formerly Invitae), Labcorp
Classification: Benign. Last evaluated: 2026-02-02. Review status: criteria provided, single submitter. Criteria: Invitae Variant Classification Sherloc (09022015). Collection method: clinical testing. Allele origin: germline.

GeneDx
Classification: Benign. Last evaluated: 2021-05-04. Review status: criteria provided, single submitter. Criteria: GeneDx Variant Classification Process June 2021. Collection method: clinical testing. Allele origin: germline. Affected: yes.

Breakthrough Genomics
Classification: Benign. Review status: criteria provided, single submitter. Criteria: ACMG Guidelines, 2015. Collection method: not provided. Allele origin: germline. Inheritance: Autosomal recessive inheritance. Affected: yes.

PreventionGenetics, part of Exact Sciences
Classification: Benign for GALM-related condition. Last evaluated: 2019-12-06. Review status: no assertion criteria provided. Collection method: clinical testing. Allele origin: germline. Not counted in ClinVar's aggregate classification.
Comment: This variant is classified as benign based on ACMG/AMP sequence variant interpretation guidelines (Richards et al. 2015 PMID: 25741868, with internal and published modifications).

Dr. Peter K. Rogan Lab, Western University
No classification provided (evidence only). Condition: Lung cancer. Review status: no classification provided. Collection method: in vitro. Allele origin: not applicable. Functional consequence: retained intron. Not counted in ClinVar's aggregate classification.

Dr. Peter K. Rogan Lab, Western University
No classification provided (evidence only). Condition: Thyroid cancer, nonmedullary, 1. Review status: no classification provided. Collection method: in vitro. Allele origin: not applicable. Functional consequence: retained intron. Not counted in ClinVar's aggregate classification.

Dr. Peter K. Rogan Lab, Western University
No classification provided (evidence only). Condition: Thyroid cancer, nonmedullary, 1. Review status: no classification provided. Collection method: in vitro. Allele origin: not applicable. Functional consequence: retained intron. Not counted in ClinVar's aggregate classification.

Dr. Peter K. Rogan Lab, Western University
No classification provided (evidence only). Condition: Uterine corpus endometrial carcinoma. Review status: no classification provided. Collection method: in vitro. Allele origin: not applicable. Functional consequence: retained intron. Not counted in ClinVar's aggregate classification.

Dr. Peter K. Rogan Lab, Western University
No classification provided (evidence only). Condition: Uterine corpus endometrial carcinoma. Review status: no classification provided. Collection method: in vitro. Allele origin: not applicable. Functional consequence: retained intron. Not counted in ClinVar's aggregate classification.

Dr. Peter K. Rogan Lab, Western University
No classification provided (evidence only). Condition: Uterine corpus endometrial carcinoma. Review status: no classification provided. Collection method: in vitro. Allele origin: not applicable. Functional consequence: retained intron. Not counted in ClinVar's aggregate classification.

Dr. Peter K. Rogan Lab, Western University
No classification provided (evidence only). Condition: Uterine corpus endometrial carcinoma. Review status: no classification provided. Collection method: in vitro. Allele origin: not applicable. Functional consequence: retained intron. Not counted in ClinVar's aggregate classification.

Dr. Peter K. Rogan Lab, Western University
No classification provided (evidence only). Condition: Uterine corpus endometrial carcinoma. Review status: no classification provided. Collection method: in vitro. Allele origin: not applicable. Functional consequence: retained intron. Not counted in ClinVar's aggregate classification.

Dr. Peter K. Rogan Lab, Western University
No classification provided (evidence only). Condition: Uterine corpus endometrial carcinoma. Review status: no classification provided. Collection method: in vitro. Allele origin: not applicable. Functional consequence: retained intron. Not counted in ClinVar's aggregate classification.

Dr. Peter K. Rogan Lab, Western University
No classification provided (evidence only). Condition: Uterine corpus endometrial carcinoma. Review status: no classification provided. Collection method: in vitro. Allele origin: not applicable. Functional consequence: retained intron. Not counted in ClinVar's aggregate classification.

Dr. Peter K. Rogan Lab, Western University
No classification provided (evidence only). Condition: Uterine corpus endometrial carcinoma. Review status: no classification provided. Collection method: in vitro. Allele origin: not applicable. Functional consequence: retained intron. Not counted in ClinVar's aggregate classification.

Dr. Peter K. Rogan Lab, Western University
No classification provided (evidence only). Condition: Uterine corpus endometrial carcinoma. Review status: no classification provided. Collection method: in vitro. Allele origin: not applicable. Functional consequence: retained intron. Not counted in ClinVar's aggregate classification.

Dr. Peter K. Rogan Lab, Western University
No classification provided (evidence only). Condition: Cervical cancer. Review status: no classification provided. Collection method: in vitro. Allele origin: not applicable. Functional consequence: retained intron. Not counted in ClinVar's aggregate classification.

Dr. Peter K. Rogan Lab, Western University
No classification provided (evidence only). Condition: Cervical cancer. Review status: no classification provided. Collection method: in vitro. Allele origin: not applicable. Functional consequence: retained intron. Not counted in ClinVar's aggregate classification.

Dr. Peter K. Rogan Lab, Western University
No classification provided (evidence only). Condition: Cervical cancer. Review status: no classification provided. Collection method: in vitro. Allele origin: not applicable. Functional consequence: retained intron. Not counted in ClinVar's aggregate classification.

Dr. Peter K. Rogan Lab, Western University
No classification provided (evidence only). Condition: Cervical cancer. Review status: no classification provided. Collection method: in vitro. Allele origin: not applicable. Functional consequence: retained intron. Not counted in ClinVar's aggregate classification.

Dr. Peter K. Rogan Lab, Western University
No classification provided (evidence only). Condition: Cervical cancer. Review status: no classification provided. Collection method: in vitro. Allele origin: not applicable. Functional consequence: retained intron. Not counted in ClinVar's aggregate classification.

Dr. Peter K. Rogan Lab, Western University
No classification provided (evidence only). Condition: Cervical cancer. Review status: no classification provided. Collection method: in vitro. Allele origin: not applicable. Functional consequence: retained intron. Not counted in ClinVar's aggregate classification.

Dr. Peter K. Rogan Lab, Western University
No classification provided (evidence only). Condition: Cervical cancer. Review status: no classification provided. Collection method: in vitro. Allele origin: not applicable. Functional consequence: retained intron. Not counted in ClinVar's aggregate classification.

Dr. Peter K. Rogan Lab, Western University
No classification provided (evidence only). Condition: Sarcoma. Review status: no classification provided. Collection method: in vitro. Allele origin: not applicable. Functional consequence: retained intron. Not counted in ClinVar's aggregate classification.

Dr. Peter K. Rogan Lab, Western University
No classification provided (evidence only). Condition: Sarcoma. Review status: no classification provided. Collection method: in vitro. Allele origin: not applicable. Functional consequence: retained intron. Not counted in ClinVar's aggregate classification.

Dr. Peter K. Rogan Lab, Western University
No classification provided (evidence only). Condition: Sarcoma. Review status: no classification provided. Collection method: in vitro. Allele origin: not applicable. Functional consequence: retained intron. Not counted in ClinVar's aggregate classification.

Dr. Peter K. Rogan Lab, Western University
No classification provided (evidence only). Condition: Sarcoma. Review status: no classification provided. Collection method: in vitro. Allele origin: not applicable. Functional consequence: retained intron. Not counted in ClinVar's aggregate classification.

Dr. Peter K. Rogan Lab, Western University
No classification provided (evidence only). Condition: Sarcoma. Review status: no classification provided. Collection method: in vitro. Allele origin: not applicable. Functional consequence: retained intron. Not counted in ClinVar's aggregate classification.

Dr. Peter K. Rogan Lab, Western University
No classification provided (evidence only). Condition: Malignant lymphoma, large B-cell, diffuse. Review status: no classification provided. Collection method: in vitro. Allele origin: not applicable. Functional consequence: retained intron. Not counted in ClinVar's aggregate classification.

Dr. Peter K. Rogan Lab, Western University
No classification provided (evidence only). Condition: Hepatocellular carcinoma. Review status: no classification provided. Collection method: in vitro. Allele origin: not applicable. Functional consequence: retained intron. Not counted in ClinVar's aggregate classification.

Dr. Peter K. Rogan Lab, Western University
No classification provided (evidence only). Condition: Nonpapillary renal cell carcinoma. Review status: no classification provided. Collection method: in vitro. Allele origin: not applicable. Functional consequence: retained intron. Not counted in ClinVar's aggregate classification.

Dr. Peter K. Rogan Lab, Western University
No classification provided (evidence only). Condition: Thymoma. Review status: no classification provided. Collection method: in vitro. Allele origin: not applicable. Functional consequence: retained intron. Not counted in ClinVar's aggregate classification.

Dr. Peter K. Rogan Lab, Western University
No classification provided (evidence only). Condition: Ovarian serous cystadenocarcinoma. Review status: no classification provided. Collection method: in vitro. Allele origin: not applicable. Functional consequence: retained intron. Not counted in ClinVar's aggregate classification.